The following is an entry in ClinVar:

NM_058216.3(RAD51C):c.917dup (p.His307fs)

Gene: RAD51C (RAD51 paralog C; plus strand). Cytogenetic location: 17q22.
Variant type: Duplication.
Coding change: c.917dup on transcript NM_058216.3 (MANE Select); coding-DNA position 917, one base duplicated (G; older notation c.917dupG).
Protein change: p.His307fs; shifts the reading frame from histidine 307.
Molecular consequence: frameshift variant. On other transcripts: non-coding transcript variant (1).
Genome position (GRCh38, 1-based): chr17:58,724,052, G duplicated; the last of 4 consecutive G bases (chr17:58,724,049-58,724,052); duplicating any one gives the same sequence. VCF-style (leftmost placement, unchanged base first): chr17-58724048-T-TG. GRCh37 (hg19) VCF-style: chr17-56801409-T-TG.
Other names: c.917dupG (NM_058216.1); c.*345dup (NM_058217.1); short protein forms H307fs.
Identifiers: ClinVar variation 1766071 (VCV001766071.3), dbSNP rs2143961536, ClinGen allele CA2580094321.

ClinVar aggregate classification (germline): Likely pathogenic (1 of 4 stars; one submission).

Conditions:
Hereditary cancer-predisposing syndrome. Also called: Neoplastic Syndromes, Hereditary; Tumor predisposition; Hereditary Cancer Syndrome; Hereditary neoplastic syndrome. Identifiers: Orphanet 140162, MedGen C0027672, MeSH D009386, MONDO:0015356.

Submission:

Ambry Genetics
Classification: Likely pathogenic for Hereditary cancer-predisposing syndrome. Last evaluated: 2025-03-03. Review status: criteria provided, single submitter. Criteria: Ambry Variant Classification Scheme 2023. Collection method: clinical testing. Allele origin: germline.
Comment: The c.917dupG variant, located in coding exon 7 of the RAD51C gene, results from a duplication of G at nucleotide position 917, causing a translational frameshift with a predicted alternate stop codon (p.H307Tfs*41). This alteration occurs at the 3' terminus of theRAD51C gene, is not expected to trigger nonsense-mediated mRNA decay, and only impacts the last 70 amino acids of the protein. However, premature stop codons are typically deleterious in nature and and a significant portion of the protein is affected (Ambry internal data). Based on internal structural analysis, this variant is anticipated to disrupt a region of known function (Ambry internal data). This variant is considered to be rare based on population cohorts in the Genome Aggregation Database (gnomAD). Based on the majority of available evidence to date, this variant is likely to be pathogenic.